The following is an entry in ClinVar:

NM_000038.6(APC):c.7927_7928del (p.Leu2643fs)

Gene: APC (APC regulator of Wnt signaling pathway; plus strand). Cytogenetic location: 5q22.2.
Variant type: Microsatellite.
Coding change: c.7927_7928del on transcript NM_000038.6 (MANE Select); coding-DNA positions 7927 to 7928, 2 bases deleted (CT; older notation c.7927_7928delCT).
Protein change: p.Leu2643fs; shifts the reading frame from leucine 2643.
Molecular consequence: frameshift variant.
Genome position (GRCh38, 1-based): chr5:112,843,521-112,843,522, CT deleted; deleting any 2 consecutive bases within chr5:112,843,519-112,843,522 gives the same sequence; the c. name uses the placement nearest the transcript's 3' end. VCF-style (leftmost placement, unchanged base first): chr5-112843518-ACT-A. GRCh37 (hg19) VCF-style: chr5-112179215-ACT-A.
Other names: c.7927_7928del, p.Leu2643fs (NM_001127510.3, NM_001354895.2); c.7873_7874del, p.Leu2625fs (NM_001127511.3); c.7981_7982del, p.Leu2661fs (NM_001354896.2); c.7957_7958del, p.Leu2653fs (NM_001354897.2); c.7852_7853del, p.Leu2618fs (NM_001354898.2); c.7843_7844del, p.Leu2615fs (NM_001354899.2); c.7804_7805del, p.Leu2602fs (NM_001354900.2); c.7750_7751del, p.Leu2584fs (NM_001354901.2); and 5 more; short protein forms L2360fs, L2615fs, L2618fs, L2653fs, L2483fs, L2602fs, L2625fs, L2643fs.
Identifiers: ClinVar variation 1453360 (VCV001453360.28), dbSNP rs1766600757, ClinGen allele CA1573474717.

ClinVar aggregate classification (germline): Pathogenic/Likely pathogenic. Review status: criteria provided, multiple submitters, no conflicts (2 of 4 stars). 7 submissions from 7 submitters: Pathogenic (5); Likely pathogenic (1). 1 of the submissions does not count toward it. Last evaluated 2025-05-27.

Conditions:
APC-related disorder. Also called: APC-related condition.
Hereditary cancer-predisposing syndrome. Also called: Tumor predisposition; Neoplastic Syndromes, Hereditary; Hereditary Cancer Syndrome; Hereditary neoplastic syndrome. Identifiers: Orphanet 140162, MedGen C0027672, MeSH D009386, MONDO:0015356.
Familial adenomatous polyposis 1 (FAP1). Also called: POLYPOSIS, ADENOMATOUS INTESTINAL; FAMILIAL ADENOMATOUS POLYPOSIS 1, ATTENUATED. Identifiers: MedGen C2713442, MONDO:0021056, OMIM 175100. Disease mechanism: loss of function.
Classic or attenuated familial adenomatous polyposis. Identifiers: MedGen CN372698, MONDO:0021057.

Submissions (7):

Color Diagnostics, LLC DBA Color Health
Classification: Pathogenic for Hereditary cancer-predisposing syndrome. Last evaluated: 2025-05-27. Review status: criteria provided, single submitter. Criteria: ACMG Guidelines, 2015. Collection method: clinical testing. Allele origin: germline.
Comment: This variant deletes 2 nucleotides in exon 16 of the APC gene, creating a frameshift and premature translation stop signal. This variant is expected to result in an absent or non-functional protein product. To our knowledge, this variant has not been reported in individuals affected with APC-related disorders in the literature. This variant has not been identified in the general population by the Genome Aggregation Database (gnomAD). Loss of APC function is a known mechanism of disease. Based on the available evidence, this variant is classified as Pathogenic.

Ambry Genetics
Classification: Pathogenic for Hereditary cancer-predisposing syndrome. Last evaluated: 2025-03-03. Review status: criteria provided, single submitter. Criteria: Ambry Variant Classification Scheme 2023. Collection method: clinical testing. Allele origin: germline.
Comment: The c.7927_7928delCT pathogenic mutation, located in coding exon 15 of the APC gene, results from a deletion of two nucleotides at nucleotide positions 7927 to 7928, causing a translational frameshift with a predicted alternate stop codon (p.L2643Nfs*10). This alteration occurs at the 3' terminus of theAPC gene, is not expected to trigger nonsense-mediated mRNA decay, and impacts the last 201 amino acids of the protein. However, premature stop codons are typically deleterious in nature and the impacted region is critical for protein function (Ambry internal data). This variant was detected in 1/333 Polish patients with ovarian cancer (Koczkowska M et al. Cancers (Basel), 2018 Nov;10:). This variant is considered to be rare based on population cohorts in the Genome Aggregation Database (gnomAD). Based on the supporting evidence, this alteration is interpreted as a disease-causing mutation.

All of Us Research Program, National Institutes of Health
Classification: Pathogenic for Classic or attenuated familial adenomatous polyposis. Last evaluated: 2024-01-04. Review status: criteria provided, single submitter. Criteria: ACMG Guidelines, 2015. Collection method: clinical testing. Allele origin: germline. Inheritance: Autosomal dominant inheritance. Observed: 1 variant allele, 1 heterozygote.
Comment: The c.7927_7928del (p.Leu2643Asnfs*10) variant in the APC gene is located on the exon 16 and is predicted to cause shift of reading frame that introduces a premature translation termination codon (p.Leu2643Asnfs*10), resulting in an absent or disrupted protein product. The variant has been reported in an individual with ovarian cancer (PMID: 30441849). Alternative loss-of-function variant in this position (p.Leu2643Phefs*16) and variants located downstream to this position (p.Ile2644fs, p.Tyr2645fs) have been reported in individuals with familial adenomatous polyposis (PMID: 21779980, 22135120, 27081525, ClinVar ID: 265577, 486770). Loss-of-function variants of APC are known to be pathogenic (PMID: 26446593, 23159591, 31591141, 33769591). The variant is reported in ClinVar (ID: 1453360). The variant is absent in the general population database (gnomAD). Therefore, the c.7927_7928del (p.Leu2643Asnfs*10) variant of APC has been classified as pathogenic.

This study involves interpretation of variants in research participants for the purpose of population health screening. Participant phenotype was not available at the time of variant classification. Additional details can be found in publication PMID: 35346344, PMCID: PMC8962531

Myriad Genetics, Inc.
Classification: Pathogenic for Familial adenomatous polyposis 1. Last evaluated: 2023-05-16. Review status: criteria provided, single submitter. Criteria: Myriad Autosomal Dominant, Autosomal Recessive and X-Linked Classification Criteria (2023). Collection method: clinical testing. Allele origin: unknown.
Comment: This variant is considered pathogenic. This variant creates a frameshift predicted to result in premature protein truncation.

Labcorp Genetics (formerly Invitae), Labcorp
Classification: Pathogenic for Familial adenomatous polyposis 1. Last evaluated: 2023-05-15. Review status: criteria provided, single submitter. Criteria: Invitae Variant Classification Sherloc (09022015). Collection method: clinical testing. Allele origin: germline.
Comment: For these reasons, this variant has been classified as Pathogenic. A different truncation (p.Tyr2645Lysfs*14) that lies downstream of this variant has been determined to be pathogenic (PMID: 9824584, 1316610, 27081525, 8381579, 22135120, Invitae). This suggests that deletion of this region of the APC protein is causative of disease. This variant is expected to disrupt the EB1 and HDLG binding sites, which mediate interactions with the cytoskeleton (PMID: 15311282, 17293347). While functional studies have not been performed to directly test the effect on APC protein function, this suggests that disruption of the C-terminal portion of the protein is functionally important. ClinVar contains an entry for this variant (Variation ID: 1453360). This variant has not been reported in the literature in individuals affected with APC-related conditions. This variant is not present in population databases (gnomAD no frequency). This sequence change creates a premature translational stop signal (p.Leu2643Asnfs*10) in the APC gene. While this is not anticipated to result in nonsense mediated decay, it is expected to disrupt the last 201 amino acid(s) of the APC protein.

PreventionGenetics, part of Exact Sciences
Classification: Likely pathogenic for APC-related condition. Last evaluated: 2023-05-12. Review status: criteria provided, single submitter. Criteria: ACMG Guidelines, 2015. Collection method: clinical testing. Allele origin: germline.
Comment: The APC c.7927_7928delCT variant is predicted to result in a frameshift and premature protein termination (p.Leu2643Asnfs*10). This variant has been reported in an adult patient with ovarian cancer (Koczkowska et al. 2018. PubMed: 30441849). Small deletions of neighboring nucleotides as well as loss of function variants located downstream of the c.7927_7928delCT have also been reported in multiple patients with adenomatosis polyposis coli, attenuated adenomatosis polyposis coli and multiple adenomas (Jarry et al. 2011. PubMed ID: 21779980, Miyoshi et al. 1992. PubMed ID: 1316610, Ikenoue et al. 2015. PubMed ID: 27081525, Kerr et al. 2013. PubMed ID: 23159591, Lagarde et al. 2010. PubMed ID: 20685668, Pedemonte et al. 1998. PubMed ID: 9669663). The c.7927_7928delCT variant variant has not been reported in a large population database, indicating this variant is rare. This variant, as well as several downstream loss of function variants, have been interpreted as pathogenic or likely pathogenic in clinvar (c.8430dup, c.8332dup, c.8155G>T). Frameshift variants in APC are expected to be pathogenic. This variant is interpreted as likely pathogenic.

deCODE genetics, Amgen
Classification: Likely pathogenic for Familial adenomatous polyposis 1. Last evaluated: 2023-07-21. Review status: no assertion criteria provided. Collection method: research. Allele origin: germline. Affected: yes. Observed: 1 variant allele. Not counted in ClinVar's aggregate classification.
Comment: The variant NM_000038.6:c.7927_7928del (chr5:112843518) in APC was detected in 1 heterozygote out of 58K WGS Icelanders (MAF= 0,001%). This variant has not been reported in ClinVar previously. Based on ACMG criteria (PVS1, PM2) this variant classifies as likely pathogenic.

Literature cited by the submitters: PubMed 30441849 (cited by Ambry Genetics and All of Us Research Program, National Institutes of Health); PubMed 21779980 (cited by All of Us Research Program, National Institutes of Health); PubMed 22135120 (cited by All of Us Research Program, National Institutes of Health and Labcorp Genetics (formerly Invitae), Labcorp); PubMed 23159591 (cited by All of Us Research Program, National Institutes of Health); PubMed 26446593 (cited by All of Us Research Program, National Institutes of Health); PubMed 27081525 (cited by All of Us Research Program, National Institutes of Health and Labcorp Genetics (formerly Invitae), Labcorp); PubMed 31591141 (cited by All of Us Research Program, National Institutes of Health); PubMed 33769591 (cited by All of Us Research Program, National Institutes of Health); PubMed 9824584 (cited by Labcorp Genetics (formerly Invitae), Labcorp); PubMed 1316610 (cited by Labcorp Genetics (formerly Invitae), Labcorp); PubMed 8381579 (cited by Labcorp Genetics (formerly Invitae), Labcorp); PubMed 15311282 (cited by Labcorp Genetics (formerly Invitae), Labcorp); PubMed 17293347 (cited by Labcorp Genetics (formerly Invitae), Labcorp).